The following is an entry in ClinVar:

ClinVar aggregate classification (germline): Uncertain significance (1 of 4 stars; one submission).

Conditions:
Aortic aneurysm, familial thoracic 4 (AAT4). Also called: AORTIC ANEURYSM/AORTIC DISSECTION AND PATENT DUCTUS ARTERIOSUS. Identifiers: MedGen C1851504, MONDO:0007568, OMIM 132900.

Allele frequency attached by ClinVar (database versions not stated): gnomAD exomes below 0.00001; gnomAD 0.00001; TOPMed 0.00001.
gnomAD v4.1: 2 of 1,604,612 alleles (0.00012%); highest among the groups gnomAD compares: Non-Finnish European, 0.00017%; no homozygotes.

Submission:

Labcorp Genetics (formerly Invitae), Labcorp
Classification: Uncertain significance for Aortic aneurysm, familial thoracic 4. Last evaluated: 2021-06-21. Review status: criteria provided, single submitter. Criteria: Invitae Variant Classification Sherloc (09022015). Collection method: clinical testing. Allele origin: germline.
Comment: This variant has not been reported in the literature in individuals with MYH11-related conditions. In summary, the available evidence is currently insufficient to determine the role of this variant in disease. Therefore, it has been classified as a Variant of Uncertain Significance. Algorithms developed to predict the effect of missense changes on protein structure and function are either unavailable or do not agree on the potential impact of this missense change (SIFT: "Deleterious"; PolyPhen-2: "Probably Damaging"; Align-GVGD: "Class C0"). This variant is not present in population databases (ExAC no frequency). This sequence change replaces lysine with glutamic acid at codon 387 of the MYH11 protein (p.Lys387Glu). The lysine residue is highly conserved and there is a small physicochemical difference between lysine and glutamic acid.

NM_002474.3(MYH11):c.1138A>G (p.Lys380Glu)

Gene: MYH11 (myosin heavy chain 11; minus strand). Cytogenetic location: 16p13.11.
Variant type: single nucleotide variant.
Coding change: c.1138A>G on transcript NM_002474.3 (MANE Select); coding-DNA position 1138, A replaced by G.
Protein change: p.Lys380Glu; replaces lysine 380 with glutamic acid.
Molecular consequence: missense variant.
Genome position (GRCh38, 1-based): chr16:15,760,650, T>C on the plus strand (A>G on the coding strand, the complement: MYH11 is on the minus strand). VCF-style: chr16-15760650-T-C. GRCh37 (hg19) VCF-style: chr16-15854507-T-C.
Other names: c.1159A>G, p.Lys387Glu (NM_001040113.2, NM_001040114.2); c.1138A>G, p.Lys380Glu (NM_022844.3); short protein forms K387E, K380E.
Identifiers: ClinVar variation 1461610 (VCV001461610.8), dbSNP rs2041847532, ClinGen allele CA394873144.